The following is an entry in ClinVar:

NM_198576.4(AGRN):c.4735G>A (p.Gly1579Ser)

Gene: AGRN (agrin; plus strand). Cytogenetic location: 1p36.33.
Variant type: single nucleotide variant.
Coding change: c.4735G>A on transcript NM_198576.4 (MANE Select); coding-DNA position 4735, G replaced by A.
Protein change: p.Gly1579Ser; replaces glycine 1579 with serine.
Molecular consequence: missense variant.
Genome position (GRCh38, 1-based): chr1:1,049,786, G>A. VCF-style: chr1-1049786-G-A. GRCh37 (hg19) VCF-style: chr1-985166-G-A.
Other names: c.4735G>A, p.Gly1579Ser (NM_001305275.2); c.4420G>A, p.Gly1474Ser (NM_001364727.2); short protein forms G1474S, G1579S.
Identifiers: ClinVar variation 933657 (VCV000933657.8), dbSNP rs556296275, ClinGen allele CA509582.
Genomic context (GRCh38, chr1:1,049,786, plus strand): 5'-CATGGCGGGGCCCCATGCCAGAACCTGGAGGCTGGAAGGTTCCATTGCCAGTGCCCGCCC[G>A]GCCGCGTCGGTGAGGGTGGGGCCGGGGCGGGTGGGAGTGGGACCCCGGGGCCTGTGGGCG-3'
Protein context (NP_940978.2, residues 1569-1589): AGRFHCQCPP[Gly1579Ser]RVGPTCADEK

ClinVar aggregate classification (germline): Uncertain significance. Review status: criteria provided, single submitter (1 of 4 stars). 2 submissions from 2 submitters: Uncertain significance (1). 1 of the submissions does not count toward it. Last evaluated 2022-06-18.

Conditions:
Congenital myasthenic syndrome 8. Also called: MYASTHENIC SYNDROME, CONGENITAL, DUE TO AGRIN DEFICIENCY; Myasthenic syndrome, congenital, 8, with pre- and postsynaptic defects. Identifiers: Orphanet 590, MedGen C3808739, MONDO:0014052, OMIM 615120.

Allele frequency attached by ClinVar (database versions not stated): gnomAD exomes 0.00001 and 0.00006; gnomAD 0.00006; TOPMed 0.00007; ExAC 0.00010; 1000 Genomes Project 30x 0.00016; 1000 Genomes Project 0.00020.
gnomAD v4.1: 30 of 1,595,544 alleles (0.0019%); highest among the groups gnomAD compares: East Asian, 0.032%; no homozygotes.

Submissions (2):

Labcorp Genetics (formerly Invitae), Labcorp
Classification: Uncertain significance for Congenital myasthenic syndrome 8. Last evaluated: 2022-06-18. Review status: criteria provided, single submitter. Criteria: Invitae Variant Classification Sherloc (09022015). Collection method: clinical testing. Allele origin: germline.
Comment: This sequence change replaces glycine, which is neutral and non-polar, with serine, which is neutral and polar, at codon 1579 of the AGRN protein (p.Gly1579Ser). This variant is present in population databases (rs556296275, gnomAD 0.08%). This variant has not been reported in the literature in individuals affected with AGRN-related conditions. ClinVar contains an entry for this variant (Variation ID: 933657). Algorithms developed to predict the effect of missense changes on protein structure and function output the following: SIFT: "Tolerated"; PolyPhen-2: "Benign"; Align-GVGD: "Class C0". The serine amino acid residue is found in multiple mammalian species, which suggests that this missense change does not adversely affect protein function. In summary, the available evidence is currently insufficient to determine the role of this variant in disease. Therefore, it has been classified as a Variant of Uncertain Significance.

Department of Neurology, Xiangya Hospital Central South University
Classification: Pathogenic for Congenital myasthenic syndrome 8. Last evaluated: 2021-09-22. Review status: no assertion criteria provided. Collection method: clinical testing. Allele origin: germline. Affected: yes. Not counted in ClinVar's aggregate classification.